The following is an entry in ClinVar:

NM_000088.4(COL1A1):c.1112G>C (p.Gly371Ala)

Gene: COL1A1 (collagen type I alpha 1 chain; minus strand). Cytogenetic location: 17q21.33.
Variant type: single nucleotide variant.
Coding change: c.1112G>C on transcript NM_000088.4 (MANE Select); coding-DNA position 1112, G replaced by C.
Protein change: p.Gly371Ala; replaces glycine 371 with alanine.
Molecular consequence: missense variant.
Genome position (GRCh38, 1-based): chr17:50,195,610, C>G on the plus strand (G>C on the coding strand, the complement: COL1A1 is on the minus strand). VCF-style: chr17-50195610-C-G. GRCh37 (hg19) VCF-style: chr17-48272971-C-G.
Other names: short protein forms G371A.
Identifiers: ClinVar variation 870101 (VCV000870101.4), dbSNP rs1907512918, ClinGen allele CA400219862.
Genomic context (GRCh38, chr17:50,195,610, plus strand): 5'-GAGTCGGGGACACTTACAGCAGGGCCAGCAGCACCAGCAGGGCCAGGGGGGCCAGGCTCA[C>G]CACGCACACCCTGGGGACCTTCAGAGCCTCGGGGCCCTTGGGGACCAGCTTCACCCTGAA-3'
Protein context (NP_000079.2, residues 361-381): RGSEGPQGVR[Gly371Ala]EPGPPGPAGA

ClinVar aggregate classification (germline): Pathogenic/Likely pathogenic. Review status: criteria provided, multiple submitters, no conflicts (2 of 4 stars). 2 submissions from 2 submitters: Pathogenic (1); Likely pathogenic (1). Last evaluated 2024-03-17.

Conditions:
Osteogenesis imperfecta (OI). Identifiers: Orphanet 666, MedGen C0029434, MeSH D010013, MONDO:0019019.
Osteogenesis imperfecta type I (OI1). Also called: OI, TYPE I; OSTEOGENESIS IMPERFECTA TARDA; OSTEOGENESIS IMPERFECTA WITH BLUE SCLERAE; Osteogenesis imperfecta type 1; Lobstein's Disease; Lobstein disease. Identifiers: Orphanet 216796, Orphanet 666, MedGen C0023931, MONDO:0008146, OMIM 166200. Disease mechanism: loss of function.

Submissions (2):

Labcorp Genetics (formerly Invitae), Labcorp
Classification: Pathogenic for Osteogenesis imperfecta type I. Last evaluated: 2024-03-17. Review status: criteria provided, single submitter. Criteria: Invitae Variant Classification Sherloc (09022015). Collection method: clinical testing. Allele origin: germline.
Comment: This sequence change replaces glycine, which is neutral and non-polar, with alanine, which is neutral and non-polar, at codon 371 of the COL1A1 protein (p.Gly371Ala). This variant is not present in population databases (gnomAD no frequency). This missense change has been observed in individual(s) with osteogenesis imperfecta (external communications). ClinVar contains an entry for this variant (Variation ID: 870101). Advanced modeling of protein sequence and biophysical properties (such as structural, functional, and spatial information, amino acid conservation, physicochemical variation, residue mobility, and thermodynamic stability) performed at Invitae indicates that this missense variant is expected to disrupt COL1A1 protein function with a positive predictive value of 95%. This variant disrupts the triple helix domain of COL1A1. Glycine residues within the Gly-Xaa-Yaa repeats of the triple helix domain are required for the structure and stability of fibrillar collagens (PMID: 7695699, 8218237, 19344236). In COL1A1, variants affecting these glycine residues are significantly enriched in individuals with disease (PMID: 9016532, 17078022) compared to the general population (ExAC). For these reasons, this variant has been classified as Pathogenic.

Genetics Department, Polish Mother's Memorial Hospital Research Institute
Classification: Likely pathogenic for Osteogenesis imperfecta. Last evaluated: 2020-04-06. Review status: criteria provided, single submitter. Criteria: ACMG Guidelines, 2015. Collection method: research. Allele origin: maternal. Affected: yes. Observed: 2 variant alleles.

Literature cited by the submitters: PubMed 7695699 (cited by Labcorp Genetics (formerly Invitae), Labcorp); PubMed 8218237 (cited by Labcorp Genetics (formerly Invitae), Labcorp); PubMed 19344236 (cited by Labcorp Genetics (formerly Invitae), Labcorp); PubMed 9016532 (cited by Labcorp Genetics (formerly Invitae), Labcorp); PubMed 17078022 (cited by Labcorp Genetics (formerly Invitae), Labcorp).